The following is an entry in ClinVar:

NM_001918.5(DBT):c.940G>T (p.Ala314Ser)

Gene: DBT (dihydrolipoamide branched chain transacylase E2; minus strand). Cytogenetic location: 1p21.2.
Variant type: single nucleotide variant.
Coding change: c.940G>T on transcript NM_001918.5 (MANE Select); coding-DNA position 940, G replaced by T.
Protein change: p.Ala314Ser; replaces alanine 314 with serine.
Molecular consequence: missense variant. On other transcripts: non-coding transcript variant (4).
Genome position (GRCh38, 1-based): chr1:100,210,771, C>A on the plus strand (G>T on the coding strand, the complement: DBT is on the minus strand). VCF-style: chr1-100210771-C-A. GRCh37 (hg19) VCF-style: chr1-100676327-C-A.
Other names: c.397G>T, p.Ala133Ser (NM_001399969.1, NM_001399972.1); short protein forms A133S, A314S.
Identifiers: ClinVar variation 2158962 (VCV002158962.3), dbSNP rs777223475, ClinGen allele CA969608.

ClinVar aggregate classification (germline): Uncertain significance (1 of 4 stars; one submission).

Conditions:
Maple syrup urine disease (MSUD). Identifiers: Orphanet 511, MedGen C0024776, MeSH D008375, MONDO:0009563. Disease mechanism: loss of function.

Allele frequency attached by ClinVar (database versions not stated): gnomAD exomes below 0.00001; ExAC 0.00001.
gnomAD v4.1: 4 of 1,613,386 alleles (0.00025%); highest among the groups gnomAD compares: Non-Finnish European, 0.00034%; no homozygotes.

Submission:

Labcorp Genetics (formerly Invitae), Labcorp
Classification: Uncertain significance for Maple syrup urine disease. Last evaluated: 2024-10-24. Review status: criteria provided, single submitter. Criteria: Invitae Variant Classification Sherloc (09022015). Collection method: clinical testing. Allele origin: germline.
Comment: This sequence change replaces alanine, which is neutral and non-polar, with serine, which is neutral and polar, at codon 314 of the DBT protein (p.Ala314Ser). This variant is present in population databases (rs777223475, gnomAD 0.0009%). This variant has not been reported in the literature in individuals affected with DBT-related conditions. ClinVar contains an entry for this variant (Variation ID: 2158962). An algorithm developed to predict the effect of missense changes on protein structure and function (PolyPhen-2) suggests that this variant is likely to be disruptive. In summary, the available evidence is currently insufficient to determine the role of this variant in disease. Therefore, it has been classified as a Variant of Uncertain Significance.